The following is an entry in ClinVar:

ClinVar aggregate classification (germline): Pathogenic (1 of 4 stars; one submission).

Conditions:
Niemann-Pick disease, type A. Also called: SPHINGOMYELIN LIPIDOSIS; SPHINGOMYELINASE DEFICIENCY; Infantile Neurovisceral ASMD (Niemann-Pick Disease Type A; NPD-A). Identifiers: Orphanet 77292, MedGen C0268242, MONDO:0009756, OMIM 257200. Disease mechanism: loss of function.
Niemann-Pick disease, type B. Also called: Chronic Visceral ASMD (Niemann-Pick Disease Type B; NPD-B). Identifiers: Orphanet 77293, MedGen C0268243, MONDO:0011871, OMIM 607616. Disease mechanism: loss of function.

Submission:

Labcorp Genetics (formerly Invitae), Labcorp
Classification: Pathogenic for Niemann-Pick disease, type B; Niemann-Pick disease, type A. Last evaluated: 2022-11-11. Review status: criteria provided, single submitter. Criteria: Invitae Variant Classification Sherloc (09022015). Collection method: clinical testing. Allele origin: germline.
Comment: This sequence change creates a premature translational stop signal (p.Ile424Asnfs*25) in the SMPD1 gene. It is expected to result in an absent or disrupted protein product. Loss-of-function variants in SMPD1 are known to be pathogenic (PMID: 12369017, 15221801). This variant is not present in population databases (gnomAD no frequency). This variant has not been reported in the literature in individuals affected with SMPD1-related conditions. For these reasons, this variant has been classified as Pathogenic.

Literature cited by the submitters: PubMed 12369017; PubMed 15221801.

NM_000543.5(SMPD1):c.1271_1272del (p.Ile424fs)

Gene: SMPD1 (sphingomyelin phosphodiesterase 1; plus strand). Cytogenetic location: 11p15.4.
Variant type: Microsatellite.
Coding change: c.1271_1272del on transcript NM_000543.5 (MANE Select); coding-DNA positions 1271 to 1272, 2 bases deleted (TA; older notation c.1271_1272delTA).
Protein change: p.Ile424fs; shifts the reading frame from isoleucine 424.
Molecular consequence: frameshift variant. On other transcripts: non-coding transcript variant (2).
Genome position (GRCh38, 1-based): chr11:6,393,624-6,393,625, TA deleted; deleting any 2 consecutive bases within chr11:6,393,621-6,393,625 gives the same sequence; the c. name uses the placement nearest the transcript's 3' end. VCF-style (leftmost placement, unchanged base first): chr11-6393620-CAT-C. GRCh37 (hg19) VCF-style: chr11-6414850-CAT-C.
Other names: c.1268_1269del, p.Ile423fs (NM_001007593.3); c.1271_1272del, p.Ile424fs (NM_001318087.2); c.350_351del, p.Ile117fs (NM_001318088.2); c.1139_1140del, p.Ile380fs (NM_001365135.2); short protein forms I117fs, I380fs, I423fs, I424fs.
Identifiers: ClinVar variation 2941494 (VCV002941494.3), dbSNP rs2493816545, ClinGen allele CA2740093611.